The following is an entry in ClinVar:

ClinVar aggregate classification (germline): Pathogenic. Review status: criteria provided, multiple submitters, no conflicts (2 of 4 stars). 2 submissions from 2 submitters: Pathogenic (2). Last evaluated 2022-05-24.

Submissions (2):

GeneDx
Classification: Pathogenic. Last evaluated: 2022-05-24. Review status: criteria provided, single submitter. Criteria: GeneDx Variant Classification Process June 2021. Collection method: clinical testing. Allele origin: germline. Affected: yes.
Comment: Frameshift variant predicted to result in protein truncation or nonsense mediated decay in a gene for which loss-of-function is a known mechanism of disease; Not observed at significant frequency in large population cohorts (gnomAD); Has not been previously published as pathogenic or benign to our knowledge

Labcorp Genetics (formerly Invitae), Labcorp
Classification: Pathogenic. Last evaluated: 2019-09-11. Review status: criteria provided, single submitter. Criteria: Invitae Variant Classification Sherloc (09022015). Collection method: clinical testing. Allele origin: germline.
Comment: For these reasons, this variant has been classified as Pathogenic. Loss-of-function variants in ROBO3 are known to be pathogenic (PMID: 15105459, 16525029). This variant has not been reported in the literature in individuals with ROBO3-related disease. While this variant is not present in population databases, the frequency information is unreliable, as metrics indicate poor data quality at this position in the ExAC database. This sequence change creates a premature translational stop signal (p.Leu880Alafs*106) in the ROBO3 gene. It is expected to result in an absent or disrupted protein product.

Literature cited by the submitters: PubMed 15105459 (cited by Labcorp Genetics (formerly Invitae), Labcorp); PubMed 16525029 (cited by Labcorp Genetics (formerly Invitae), Labcorp).

NM_022370.4(ROBO3):c.2637dup (p.Leu880fs)

Genes: ROBO3 (roundabout guidance receptor 3; plus strand), LOC130007006 (ATAC-STARR-seq lymphoblastoid silent region 4035; plus strand). Cytogenetic location: 11q24.2.
Variant type: Duplication.
Coding change: c.2637dup on transcript NM_022370.4 (MANE Select); coding-DNA position 2637, one base duplicated (G; older notation c.2637dupG).
Protein change: p.Leu880fs; shifts the reading frame from leucine 880.
Molecular consequence: frameshift variant. On other transcripts: 5 prime UTR variant (1), non-coding transcript variant (1).
Genome position (GRCh38, 1-based): chr11:124,876,318, G duplicated; the last of 4 consecutive G bases (chr11:124,876,315-124,876,318); duplicating any one gives the same sequence. VCF-style (leftmost placement, unchanged base first): chr11-124876314-C-CG. GRCh37 (hg19) VCF-style: chr11-124746210-C-CG.
Other names: c.-217dup (NM_001370356.1); short protein forms L880fs.
Identifiers: ClinVar variation 962582 (VCV000962582.9), dbSNP rs1388410133, ClinGen allele CA602583195.